The following is an entry in ClinVar:

ClinVar aggregate classification (germline): Uncertain significance (1 of 4 stars; one submission).

Submission:

Ambry Genetics
Classification: Uncertain significance. Last evaluated: 2023-02-16. Review status: criteria provided, single submitter. Criteria: Ambry Variant Classification Scheme 2023. Collection method: clinical testing. Allele origin: germline.
Comment: The p.L214V variant (also known as c.640C>G), located in coding exon 3 of the GALNT12 gene, results from a C to G substitution at nucleotide position 640. The leucine at codon 214 is replaced by valine, an amino acid with highly similar properties. This amino acid position is conserved. In addition, the in silico prediction for this alteration is inconclusive. Since supporting evidence is limited at this time, the clinical significance of this alteration remains unclear.

NM_024642.5(GALNT12):c.640C>G (p.Leu214Val)

Gene: GALNT12 (polypeptide N-acetylgalactosaminyltransferase 12; plus strand). Cytogenetic location: 9q22.33.
Variant type: single nucleotide variant.
Coding change: c.640C>G on transcript NM_024642.5 (MANE Select); coding-DNA position 640, C replaced by G.
Protein change: p.Leu214Val; replaces leucine 214 with valine.
Molecular consequence: missense variant.
Genome position (GRCh38, 1-based): chr9:98,826,850, C>G. VCF-style: chr9-98826850-C-G. GRCh37 (hg19) VCF-style: chr9-101589132-C-G.
Other names: short protein forms L214V.
Identifiers: ClinVar variation 2447044 (VCV002447044.2), dbSNP rs2118377455, ClinGen allele CA374217568.